The following is an entry in ClinVar:

NM_000283.4(PDE6B):c.711+5C>G

Gene: PDE6B (phosphodiesterase 6B; plus strand). Cytogenetic location: 4p16.3.
Variant type: single nucleotide variant.
Coding change: c.711+5C>G on transcript NM_000283.4 (MANE Select); 5 bases into the intron after coding-DNA position 711, C replaced by G.
Molecular consequence: intron variant.
Genome position (GRCh38, 1-based): chr4:635,974, C>G. VCF-style: chr4-635974-C-G. GRCh37 (hg19) VCF-style: chr4-629763-C-G.
Other names: c.711+5C>G (NM_001145291.2).
Identifiers: ClinVar variation 1433389 (VCV001433389.6), dbSNP rs771400327, ClinGen allele CA2794068.

ClinVar aggregate classification (germline): Uncertain significance (1 of 4 stars; one submission).

Allele frequency attached by ClinVar (database versions not stated): TOPMed 0.00003; gnomAD 0.00004.
gnomAD v4.1: 11 of 1,558,576 alleles (0.00071%); highest among the groups gnomAD compares: African/African-American, 0.015%; no homozygotes.

Submission:

Labcorp Genetics (formerly Invitae), Labcorp
Classification: Uncertain significance. Last evaluated: 2021-11-22. Review status: criteria provided, single submitter. Criteria: Invitae Variant Classification Sherloc (09022015). Collection method: clinical testing. Allele origin: germline.
Comment: This sequence change falls in intron 3 of the PDE6B gene. It does not directly change the encoded amino acid sequence of the PDE6B protein. It affects a nucleotide within the consensus splice site. This variant is present in population databases (rs771400327, gnomAD 0.02%). This variant has not been reported in the literature in individuals affected with PDE6B-related conditions. Variants that disrupt the consensus splice site are a relatively common cause of aberrant splicing (PMID: 17576681, 9536098). Algorithms developed to predict the effect of sequence changes on RNA splicing suggest that this variant may create or strengthen a splice site. In summary, the available evidence is currently insufficient to determine the role of this variant in disease. Therefore, it has been classified as a Variant of Uncertain Significance.

Literature cited by the submitters: PubMed 17576681; PubMed 9536098.